The following is an entry in ClinVar:

ClinVar aggregate classification (germline): Benign (1 of 4 stars; one submission).

Allele frequency attached by ClinVar (database versions not stated): gnomAD 0.41421 and 0.42372; TOPMed 0.42330; 1000 Genomes Project 30x 0.50187; 1000 Genomes Project 0.50839.
gnomAD v4.1: 64,464 of 151,994 alleles (42%); highest among the groups gnomAD compares: East Asian, 78%; 14,057 homozygotes.

Submission:

GeneDx
Classification: Benign. Last evaluated: 2018-06-14. Review status: criteria provided, single submitter. Criteria: GeneDx Variant Classification (06012015). Collection method: clinical testing. Allele origin: germline. Affected: yes.
Comment: This variant is considered likely benign or benign based on one or more of the following criteria: it is a conservative change, it occurs at a poorly conserved position in the protein, it is predicted to be benign by multiple in silico algorithms, and/or has population frequency not consistent with disease.

NM_000337.6(SGCD):c.-43-245A>G

Gene: SGCD (sarcoglycan delta; plus strand). Cytogenetic location: 5q33.3.
Variant type: single nucleotide variant.
Coding change: c.-43-245A>G on transcript NM_000337.6 (MANE Select); 245 bases into the intron before 43 bases upstream of the start codon, A replaced by G.
Molecular consequence: intron variant.
Genome position (GRCh38, 1-based): chr5:156,329,289, A>G. VCF-style: chr5-156329289-A-G. GRCh37 (hg19) VCF-style: chr5-155756299-A-G.
Other names: c.-1+2057A>G (NM_001128209.2); c.-43-245A>G (NM_172244.3).
Identifiers: ClinVar variation 670058 (VCV000670058.1), dbSNP rs11744154, ClinGen allele CA15409798.